The following is an entry in ClinVar:

ClinVar aggregate classification (germline): Uncertain significance. Review status: criteria provided, multiple submitters, no conflicts (2 of 4 stars). 3 submissions from 3 submitters: Uncertain significance (3). Last evaluated 2023-01-17.

Conditions:
Cardiovascular phenotype. Identifiers: MedGen CN230736.
Long QT syndrome (LQTS). Identifiers: MedGen C0023976, MeSH D008133, MONDO:0002442. Disease mechanism: loss of function. Inheritance: Various modes of inheritance.

Allele frequency attached by ClinVar (database versions not stated): TOPMed below 0.00001; gnomAD exomes 0.00001.
gnomAD v4.1: 18 of 1,613,660 alleles (0.0011%); highest among the groups gnomAD compares: Non-Finnish European, 0.0015%; no homozygotes.

Submissions (3):

Ambry Genetics
Classification: Uncertain significance for Cardiovascular phenotype. Last evaluated: 2023-01-17. Review status: criteria provided, single submitter. Criteria: Ambry Variant Classification Scheme 2023. Collection method: clinical testing. Allele origin: germline.
Comment: The p.E846K variant (also known as c.2536G>A), located in coding exon 19 of the CACNA1C gene, results from a G to A substitution at nucleotide position 2536. The glutamic acid at codon 846 is replaced by lysine, an amino acid with similar properties. This amino acid position is not well conserved in available vertebrate species. In addition, the in silico prediction for this alteration is inconclusive. Since supporting evidence is limited at this time, the clinical significance of this alteration remains unclear.

Labcorp Genetics (formerly Invitae), Labcorp
Classification: Uncertain significance for Long QT syndrome. Last evaluated: 2019-12-06. Review status: criteria provided, single submitter. Criteria: Invitae Variant Classification Sherloc (09022015). Collection method: clinical testing. Allele origin: germline.
Comment: This sequence change replaces glutamic acid with lysine at codon 846 of the CACNA1C protein (p.Glu846Lys). The glutamic acid residue is moderately conserved and there is a small physicochemical difference between glutamic acid and lysine. This variant is not present in population databases (ExAC no frequency). This variant has not been reported in the literature in individuals with CACNA1C-related conditions. Algorithms developed to predict the effect of missense changes on protein structure and function are either unavailable or do not agree on the potential impact of this missense change (SIFT: "Deleterious"; PolyPhen-2: "Benign"; Align-GVGD: "Class C0"). In summary, the available evidence is currently insufficient to determine the role of this variant in disease. Therefore, it has been classified as a Variant of Uncertain Significance.

GeneDx
Classification: Uncertain significance. Last evaluated: 2019-05-10. Review status: criteria provided, single submitter. Criteria: GeneDx Variant Classification Process June 2021. Collection method: clinical testing. Allele origin: germline. Affected: yes.
Comment: Has not been previously published as pathogenic or benign to our knowledge; Not observed in large population cohorts (Lek et al., 2016); In silico analysis, which includes protein predictors and evolutionary conservation, supports a deleterious effect

NM_000719.7(CACNA1C):c.2536G>A (p.Glu846Lys)

Gene: CACNA1C (calcium voltage-gated channel subunit alpha1 C; plus strand). Cytogenetic location: 12p13.33.
Variant type: single nucleotide variant.
Coding change: c.2536G>A on transcript NM_000719.7 (MANE Select); coding-DNA position 2536, G replaced by A.
Protein change: p.Glu846Lys; replaces glutamic acid 846 with lysine.
Molecular consequence: missense variant.
Genome position (GRCh38, 1-based): chr12:2,593,218, G>A. VCF-style: chr12-2593218-G-A. GRCh37 (hg19) VCF-style: chr12-2702384-G-A.
Other names: c.2536G>A, p.Glu846Lys (NM_001129827.2, NM_001129829.2, NM_001129830.3 and 18 more transcripts); c.2527G>A, p.Glu843Lys (NM_001129844.2); short protein forms E846K, E843K.
Identifiers: ClinVar variation 838935 (VCV000838935.13), dbSNP rs1295351612, ClinGen allele CA383372069.